The following is an entry in ClinVar:

NM_002878.4(RAD51D):c.135G>A (p.Leu45=)

Genes: RAD51L3-RFFL (RAD51L3-RFFL readthrough; minus strand), RAD51D (RAD51 paralog D; minus strand). Cytogenetic location: 17q12.
Variant type: single nucleotide variant.
Coding change: c.135G>A on transcript NM_002878.4 (MANE Select); coding-DNA position 135, G replaced by A.
Protein change: p.Leu45=; no amino-acid change (leucine 45 retained).
Molecular consequence: synonymous variant. On other transcripts: non-coding transcript variant (2).
Genome position (GRCh38, 1-based): chr17:35,119,120, C>T on the plus strand (G>A on the coding strand, the complement: RAD51D is on the minus strand). VCF-style: chr17-35119120-C-T. GRCh37 (hg19) VCF-style: chr17-33446139-C-T.
Other names: c.135G>A, p.Leu45= (NM_001142571.2, NM_133629.3).
Identifiers: ClinVar variation 2448058 (VCV002448058.3), dbSNP rs752907589, ClinGen allele CA290006803.

ClinVar aggregate classification (germline): Benign/Likely benign. Review status: criteria provided, multiple submitters, no conflicts (2 of 4 stars). 2 submissions from 2 submitters: Benign (1); Likely benign (1). Last evaluated 2025-02-20.

Conditions:
Hereditary cancer-predisposing syndrome. Also called: Neoplastic Syndromes, Hereditary; Hereditary Cancer Syndrome; Tumor predisposition; Hereditary neoplastic syndrome. Identifiers: Orphanet 140162, MedGen C0027672, MeSH D009386, MONDO:0015356.
Breast-ovarian cancer, familial, susceptibility to, 4. Identifiers: Orphanet 145, MedGen C3280345, MONDO:0013669, OMIM 614291.

Allele frequency attached by ClinVar (database versions not stated): TOPMed 0.00001.

Submissions (2):

Myriad Genetics, Inc.
Classification: Benign for Breast-ovarian cancer, familial, susceptibility to, 4. Last evaluated: 2025-02-20. Review status: criteria provided, single submitter. Criteria: Myriad Autosomal Dominant, Autosomal Recessive and X-Linked Classification Criteria (2023). Collection method: clinical testing. Allele origin: unknown.
Comment: This variant is considered benign. This variant is a silent/synonymous amino acid change and it is not expected to impact splicing.

Ambry Genetics
Classification: Likely benign for Hereditary cancer-predisposing syndrome. Last evaluated: 2023-02-25. Review status: criteria provided, single submitter. Criteria: Ambry Variant Classification Scheme 2023. Collection method: clinical testing. Allele origin: germline.